The following is an entry in ClinVar:

NM_006393.3(NEBL):c.2473C>T (p.His825Tyr)

Gene: NEBL (nebulette; minus strand). Cytogenetic location: 10p12.31.
Variant type: single nucleotide variant.
Coding change: c.2473C>T on transcript NM_006393.3 (MANE Select); coding-DNA position 2473, C replaced by T.
Protein change: p.His825Tyr; replaces histidine 825 with tyrosine.
Molecular consequence: missense variant.
Genome position (GRCh38, 1-based): chr10:20,812,814, G>A on the plus strand (C>T on the coding strand, the complement: NEBL is on the minus strand). VCF-style: chr10-20812814-G-A. GRCh37 (hg19) VCF-style: chr10-21101743-G-A.
Other names: c.484C>T, p.His162Tyr (NM_001173484.2, NM_001377322.1, NM_213569.2); c.436C>T, p.His146Tyr (NM_001377323.1); c.427C>T, p.His143Tyr (NM_001377324.1); c.418C>T, p.His140Tyr (NM_001377325.1); c.376C>T, p.His126Tyr (NM_001377326.1, NM_001377327.1, NM_001377328.1); short protein forms H162Y, H825Y, H126Y, H140Y, H143Y, H146Y.
Identifiers: ClinVar variation 487585 (VCV000487585.1), dbSNP rs1554774990, ClinGen allele CA376093268.
Genomic context (GRCh38, chr10:20,812,814, plus strand): 5'-ACGCCGTCAGCTTACCAACAATGATTCCAGGTCTCCTGTCCATCTCCACGATGTGAGGGT[G>A]GACCCCTTTATAGGCAGCATCGCTGACCACCTGGGTGTTCTTCCTCACTCTCTCTGTCAC-3'
Protein context (NP_006384.1, residues 815-835): VVSDAAYKGV[His825Tyr]PHIVEMDRRP

ClinVar aggregate classification (germline): Uncertain significance (0 of 4 stars; one submission).

Conditions:
Wolff-Parkinson-White pattern. Also called: WPW SYNDROME; Auriculoventricular accessory pathway syndrome; False bundle branch block syndrome; Anomalous ventricular excitation syndrome. Identifiers: MedGen C0043202, MONDO:0008685, OMIM 194200, HP:0001716.

Allele frequency attached by ClinVar (database versions not stated): gnomAD exomes below 0.00001.
gnomAD v4.1: 1 of 1,613,978 alleles (0.000062%); highest among the groups gnomAD compares: Non-Finnish European, 0.000085%; no homozygotes.

Submission:

Lupski Lab, Baylor-Hopkins CMG, Baylor College of Medicine
Classification: Uncertain significance for Wolff-Parkinson-White pattern. Last evaluated: 2017-07-14. Review status: no assertion criteria provided. Collection method: research. Allele origin: de novo. Affected: yes. Observed: 1 variant allele. Study: Candidate_variants_in_patients_with_ Wolff-Parkinson-White Syndrome.